The following is an entry in ClinVar:

NM_032242.4(PLXNA1):c.1711C>T (p.Arg571Cys)

Gene: PLXNA1 (plexin A1; plus strand). Cytogenetic location: 3q21.3.
Variant type: single nucleotide variant.
Coding change: c.1711C>T on transcript NM_032242.4 (MANE Select); coding-DNA position 1711, C replaced by T.
Protein change: p.Arg571Cys; replaces arginine 571 with cysteine.
Molecular consequence: missense variant.
Genome position (GRCh38, 1-based): chr3:127,004,976, C>T. VCF-style: chr3-127004976-C-T. GRCh37 (hg19) VCF-style: chr3-126723819-C-T.
Other names: short protein forms R571C.
Identifiers: ClinVar variation 2372352 (VCV002372352.5), dbSNP rs117043507, ClinGen allele CA2593333.

ClinVar aggregate classification (germline): Uncertain significance. Review status: criteria provided, single submitter (1 of 4 stars). 2 submissions from 2 submitters: Uncertain significance (1). 1 of the submissions does not count toward it. Last evaluated 2025-08-12.

Conditions:
PLXNA1-related disorder. Also called: PLXNA1-related condition.

Allele frequency attached by ClinVar (database versions not stated): gnomAD 0.00004; TOPMed 0.00004; 1000 Genomes Project 30x 0.00031; 1000 Genomes Project 0.00040.

Submissions (2):

Ambry Genetics
Classification: Uncertain significance. Last evaluated: 2025-08-12. Review status: criteria provided, single submitter. Criteria: Ambry Variant Classification Scheme 2023. Collection method: clinical testing. Allele origin: germline.

PreventionGenetics, part of Exact Sciences
Classification: Uncertain significance for PLXNA1-related condition. Last evaluated: 2024-03-28. Review status: no assertion criteria provided. Collection method: clinical testing. Allele origin: germline. Not counted in ClinVar's aggregate classification.
Comment: The PLXNA1 c.1711C>T variant is predicted to result in the amino acid substitution p.Arg571Cys. To our knowledge, this variant has not been reported in the literature. This variant is reported in 0.060% of alleles in individuals of Ashkenazi Jewish descent in gnomAD. At this time, the clinical significance of this variant is uncertain due to the absence of conclusive functional and genetic evidence.